The following is an entry in ClinVar:

NM_001205293.3(CACNA1E):c.5710C>A (p.Pro1904Thr)

Gene: CACNA1E (calcium voltage-gated channel subunit alpha1 E; plus strand). Cytogenetic location: 1q25.3.
Variant type: single nucleotide variant.
Coding change: c.5710C>A on transcript NM_001205293.3 (MANE Select); coding-DNA position 5710, C replaced by A.
Protein change: p.Pro1904Thr; replaces proline 1904 with threonine.
Molecular consequence: missense variant.
Genome position (GRCh38, 1-based): chr1:181,785,743, C>A. VCF-style: chr1-181785743-C-A. GRCh37 (hg19) VCF-style: chr1-181754879-C-A.
Other names: c.5710C>A, p.Pro1904Thr (NM_000721.4); c.5653C>A, p.Pro1885Thr (NM_001205294.2); short protein forms P1904T, P1885T.
Identifiers: ClinVar variation 770120 (VCV000770120.20), dbSNP rs149629433, ClinGen allele CA1276180.

ClinVar aggregate classification (germline): Benign/Likely benign. Review status: criteria provided, multiple submitters, no conflicts (2 of 4 stars). 6 submissions from 6 submitters: Benign (1); Likely benign (4). 1 of the submissions does not count toward it. Last evaluated 2026-07-01.

Conditions:
CACNA1E-related disorder. Also called: CACNA1E-related condition.
Developmental and epileptic encephalopathy, 69. Also called: EPILEPTIC ENCEPHALOPATHY, EARLY INFANTILE, 69. Identifiers: MedGen C4748988, MONDO:0032657, OMIM 618285.

Allele frequency attached by ClinVar (database versions not stated): ESP Exome Variant Server 0.00008; gnomAD 0.00028 and 0.00029; gnomAD exomes 0.00044 and 0.00232; 1000 Genomes Project 0.00060; 1000 Genomes Project 30x 0.00094; TOPMed 0.00102; ExAC 0.00188.
gnomAD v4.1: 670 of 1,613,258 alleles (0.042%); highest among the groups gnomAD compares: Admixed American, 1.1%; 2 homozygotes.

Submissions (6):

CeGaT Center for Human Genetics Tuebingen
Classification: Likely benign. Last evaluated: 2026-07-01. Review status: criteria provided, single submitter. Criteria: CeGaT Center For Human Genetics Tuebingen Variant Classification Criteria Version 2. Collection method: clinical testing. Allele origin: germline. Affected: yes. Observed: 10 variant alleles.
Comment: CACNA1E: BS1

Labcorp Genetics (formerly Invitae), Labcorp
Classification: Benign. Last evaluated: 2026-02-03. Review status: criteria provided, single submitter. Criteria: Invitae Variant Classification Sherloc (09022015). Collection method: clinical testing. Allele origin: germline.

Blueprint Genetics
Classification: Likely benign. Last evaluated: 2024-05-15. Review status: criteria provided, single submitter. Criteria: ACMG Guidelines, 2015. Collection method: clinical testing. Allele origin: germline.

Genome-Nilou Lab
Classification: Likely benign for Developmental and epileptic encephalopathy, 69. Last evaluated: 2023-04-11. Review status: criteria provided, single submitter. Criteria: ACMG Guidelines, 2015. Collection method: clinical testing. Allele origin: germline. Affected: no.

GeneDx
Classification: Likely benign. Last evaluated: 2021-03-28. Review status: criteria provided, single submitter. Criteria: GeneDx Variant Classification Process June 2021. Collection method: clinical testing. Allele origin: germline. Affected: yes.

PreventionGenetics, part of Exact Sciences
Classification: Benign for CACNA1E-related condition. Last evaluated: 2019-11-19. Review status: no assertion criteria provided. Collection method: clinical testing. Allele origin: germline. Not counted in ClinVar's aggregate classification.
Comment: This variant is classified as benign based on ACMG/AMP sequence variant interpretation guidelines (Richards et al. 2015 PMID: 25741868, with internal and published modifications).